The following is an entry in ClinVar:

ClinVar aggregate classification (germline): Pathogenic/Likely pathogenic. Review status: criteria provided, multiple submitters, no conflicts (2 of 4 stars). 6 submissions from 6 submitters: Pathogenic (3); Likely pathogenic (1). 2 of the submissions do not count toward it. Last evaluated 2025-12-09.

Conditions:
CACNA1F-related disorder. Also called: CACNA1F-related condition.
Cone-rod dystrophy. Also called: Cone-rod degeneration; Cone/cone-rod dystrophy. Identifiers: Orphanet 1872, MedGen C4085590, MONDO:0015993, HP:0000548.
Congenital stationary night blindness. Also called: Early-onset non-progressive night blindness. Identifiers: Orphanet 215, MedGen C0339535, MONDO:0016293, HP:0007642.

Submissions (6):

Labcorp Genetics (formerly Invitae), Labcorp
Classification: Pathogenic. Last evaluated: 2025-12-09. Review status: criteria provided, single submitter. Criteria: Invitae Variant Classification Sherloc (09022015). Collection method: clinical testing. Allele origin: germline.
Comment: This variant, c.952_954del, results in the deletion of 1 amino acid(s) of the CACNA1F protein (p.Phe318del), but otherwise preserves the integrity of the reading frame. This variant is not present in population databases (gnomAD no frequency). This variant has been observed in individuals with congenital stationary night blindness (PMID: 11281458, 23714322, 30825406; internal data). It has also been observed to segregate with disease in related individuals. ClinVar contains an entry for this variant (Variation ID: 438129). For these reasons, this variant has been classified as Pathogenic.

CeGaT Center for Human Genetics Tuebingen
Classification: Likely pathogenic. Last evaluated: 2024-07-01. Review status: criteria provided, single submitter. Criteria: CeGaT Center For Human Genetics Tuebingen Variant Classification Criteria Version 2. Collection method: clinical testing. Allele origin: germline. Affected: yes. Observed: 2 variant alleles.
Comment: CACNA1F: PM2, PS4:Moderate, PM3:Supporting, PM4:Supporting

Blueprint Genetics
Classification: Pathogenic for CACNA1F-related disorders. Last evaluated: 2022-10-26. Review status: criteria provided, single submitter. Criteria: ACMG Guidelines, 2015. Collection method: clinical testing. Allele origin: germline. Affected: yes. Observed: 5 variant alleles.

GeneDx
Classification: Pathogenic. Last evaluated: 2022-09-15. Review status: criteria provided, single submitter. Criteria: GeneDx Variant Classification Process June 2021. Collection method: clinical testing. Allele origin: germline. Affected: yes.
Comment: Not observed at significant frequency in large population cohorts (gnomAD); In-frame deletion of 1 amino acid in a non-repeat region; In silico analysis supports a deleterious effect on protein structure/function; This variant is associated with the following publications: (PMID: 23714322, 11281458, 32581362, 30825406)

Sharon lab, Hadassah-Hebrew University Medical Center
Classification: Pathogenic for Cone-rod degeneration. Last evaluated: 2019-06-23. Review status: no assertion criteria provided. Collection method: research. Allele origin: inherited. Affected: yes. Not counted in ClinVar's aggregate classification.

NIHR Bioresource Rare Diseases, University of Cambridge
Classification: Likely pathogenic for Congenital stationary night blindness. Last evaluated: 2015-01-01. Review status: no assertion criteria provided. Collection method: research. Allele origin: unknown. Affected: yes. Observed: 1 variant allele. Not counted in ClinVar's aggregate classification.

Literature cited by the submitters: PubMed 11281458 (cited by Labcorp Genetics (formerly Invitae), Labcorp and NIHR Bioresource Rare Diseases, University of Cambridge); PubMed 23714322 (cited by Labcorp Genetics (formerly Invitae), Labcorp); PubMed 30825406 (cited by Labcorp Genetics (formerly Invitae), Labcorp); PubMed 28041643 (cited by NIHR Bioresource Rare Diseases, University of Cambridge).

NM_001256789.3(CACNA1F):c.946TTC[2] (p.Phe318del)

Gene: CACNA1F (calcium voltage-gated channel subunit alpha1 F; minus strand). Cytogenetic location: Xp11.23.
Variant type: Microsatellite.
Coding change: c.946TTC[2] on transcript NM_001256789.3 (MANE Select); two copies in a row of the 3-base unit TTC starting at c.946; the reference has three copies in a row; one copy, 3 bases deleted.
Protein change: p.Phe318del; deletes phenylalanine 318.
Molecular consequence: inframe deletion.
Genome position (GRCh38, 1-based): chrX:49,228,311-49,228,313, GAA deleted on the plus strand (TTC on the coding strand, the reverse complement: CACNA1F is on the minus strand); deleting any 3 consecutive bases within chrX:49,228,311-49,228,320 gives the same sequence; the position shown is the placement nearest the transcript's 3' end. VCF-style (leftmost placement, unchanged base first): chrX-49228310-CGAA-C. GRCh37 (hg19) VCF-style: chrX-49084772-CGAA-C.
Other names: c.751TTC[2], p.Phe253del (NM_001256790.3); c.946TTC[2], p.Phe318del (NM_005183.4); c.952_954delTTC (NM_005183.2); short protein forms F318del, F253del.
Identifiers: ClinVar variation 438129 (VCV000438129.49), dbSNP rs1557110499, ClinGen allele CA645509415.